The following is an entry in ClinVar:

ClinVar aggregate classification (germline): Conflicting classifications of pathogenicity. Review status: criteria provided, conflicting classifications (1 of 4 stars). 9 submissions from 5 submitters: Uncertain significance (4); Benign (1); Likely benign (4). Last evaluated 2026-01-26.

Conditions:
Meckel-Gruber syndrome. Also called: DYSENCEPHALIA SPLANCHNOCYSTICA; GRUBER SYNDROME; Dysencephalia splachnocystica. Identifiers: Orphanet 564, MedGen C0265215, MONDO:0018921.
Joubert syndrome. Also called: Familial aplasia of the vermis; JOUBERT-BOLTSHAUSER SYNDROME. Identifiers: Orphanet 475, MedGen C5979921, MONDO:0018772.
Nephronophthisis. Also called: Juvenile Nephronophthisis. Identifiers: Orphanet 655, MedGen C0687120, MONDO:0019005, HP:0000090.
Meckel syndrome, type 4 (MKS4). Also called: MECKEL-GRUBER SYNDROME, TYPE 4. Identifiers: Orphanet 564, MedGen C1970161, MONDO:0012626, OMIM 611134.
Bardet-Biedl syndrome 14 (BBS14). Identifiers: Orphanet 110, MedGen C2673874, MONDO:0014442, OMIM 615991.
Senior-Loken syndrome 6 (SLSN6). Identifiers: Orphanet 3156, MedGen C1857779, MONDO:0012433, OMIM 610189.
Leber congenital amaurosis 10 (LCA10). Identifiers: Orphanet 65, MedGen C1857821, MONDO:0012723, OMIM 611755.
Joubert syndrome 5 (JBTS5). Identifiers: Orphanet 2318, MedGen C1857780, MONDO:0012432, OMIM 610188.

Allele frequency attached by ClinVar (database versions not stated): gnomAD exomes 0.00013 and 0.00023; ExAC 0.00034; gnomAD 0.00097 and 0.00106; TOPMed 0.00128; ESP Exome Variant Server 0.00153; 1000 Genomes Project 30x 0.00156; 1000 Genomes Project 0.00160.
gnomAD v4.1: 346 of 1,606,158 alleles (0.022%); highest among the groups gnomAD compares: African/African-American, 0.43%; 1 homozygote.

Submissions (9):

Labcorp Genetics (formerly Invitae), Labcorp
Classification: Benign for Joubert syndrome; Meckel-Gruber syndrome; Nephronophthisis. Last evaluated: 2026-01-26. Review status: criteria provided, single submitter. Criteria: Invitae Variant Classification Sherloc (09022015). Collection method: clinical testing. Allele origin: germline.

Blueprint Genetics
Classification: Likely benign. Last evaluated: 2024-04-16. Review status: criteria provided, single submitter. Criteria: ACMG Guidelines, 2015. Collection method: clinical testing. Allele origin: germline.

GeneDx
Classification: Likely benign. Last evaluated: 2021-01-30. Review status: criteria provided, single submitter. Criteria: GeneDx Variant Classification Process June 2021. Collection method: clinical testing. Allele origin: germline. Affected: yes.

Illumina Laboratory Services, Illumina
Classification: Uncertain significance for Joubert syndrome 5. Last evaluated: 2018-01-12. Review status: criteria provided, single submitter. Criteria: ICSL Variant Classification Criteria 13 December 2019. Collection method: clinical testing. Allele origin: germline.

Illumina Laboratory Services, Illumina
Classification: Uncertain significance for Leber congenital amaurosis 10. Last evaluated: 2018-01-12. Review status: criteria provided, single submitter. Criteria: ICSL Variant Classification Criteria 13 December 2019. Collection method: clinical testing. Allele origin: germline.

Illumina Laboratory Services, Illumina
Classification: Uncertain significance for Bardet-Biedl syndrome 14. Last evaluated: 2018-01-12. Review status: criteria provided, single submitter. Criteria: ICSL Variant Classification Criteria 13 December 2019. Collection method: clinical testing. Allele origin: germline.

Illumina Laboratory Services, Illumina
Classification: Uncertain significance for Meckel syndrome, type 4. Last evaluated: 2018-01-12. Review status: criteria provided, single submitter. Criteria: ICSL Variant Classification Criteria 13 December 2019. Collection method: clinical testing. Allele origin: germline.

Illumina Laboratory Services, Illumina
Classification: Likely benign for Senior-Loken syndrome 6. Last evaluated: 2018-01-12. Review status: criteria provided, single submitter. Criteria: ICSL Variant Classification Criteria 13 December 2019. Collection method: clinical testing. Allele origin: germline.
Comment: This variant was observed in the ICSL laboratory as part of a predisposition screen in an ostensibly healthy population. It had not been previously curated by ICSL or reported in the Human Gene Mutation Database (HGMD: prior to June 1st, 2018), and was therefore a candidate for classification through an automated scoring system. Utilizing variant allele frequency, disease prevalence and penetrance estimates, and inheritance mode, an automated score was calculated to assess if this variant is too frequent to cause the disease. Based on the score and internal cut-off values, a variant classified as likely benign is not then subjected to further curation. The score for this variant resulted in a classification of likely benign for this disease.

Eurofins Ntd Llc (ga)
Classification: Likely benign. Last evaluated: 2015-08-11. Review status: criteria provided, single submitter. Criteria: EGL Classification Definitions 2015. Collection method: clinical testing. Allele origin: germline. Observed: 1 variant allele, 1 heterozygote.

NM_025114.4(CEP290):c.4476A>G (p.Glu1492=)

Gene: CEP290 (centrosomal protein 290; minus strand). Cytogenetic location: 12q21.32.
Variant type: single nucleotide variant.
Coding change: c.4476A>G on transcript NM_025114.4 (MANE Select); coding-DNA position 4476, A replaced by G.
Protein change: p.Glu1492=; no amino-acid change (glutamic acid 1492 retained).
Molecular consequence: synonymous variant.
Genome position (GRCh38, 1-based): chr12:88,084,814, T>C on the plus strand (A>G on the coding strand, the complement: CEP290 is on the minus strand). VCF-style: chr12-88084814-T-C. GRCh37 (hg19) VCF-style: chr12-88478591-T-C.
Identifiers: ClinVar variation 282379 (VCV000282379.22), dbSNP rs181248369, ClinGen allele CA6711925.
Genomic context (GRCh38, chr12:88,084,814, plus strand): 5'-AGTGGCAGGCAATCGAAGCCTCAGTTCATTGATTACTTTGTCTCTTGACAGTATATTTTG[T>C]TCTGCTAACCTTAAAGCAGATTCTTTCTCTTTTAGTTTCTGCAATGATTAAATTATAATA-3'
Protein context (NP_079390.3, residues 1482-1502): KEKESALRLA[Glu1492=]QNILSRDKVI